The following is an entry in ClinVar:

NM_201384.3(PLEC):c.11601C>T (p.Asp3867=)

Gene: PLEC (plectin; minus strand). Cytogenetic location: 8q24.3.
Variant type: single nucleotide variant.
Coding change: c.11601C>T on transcript NM_201384.3 (MANE Select); coding-DNA position 11601, C replaced by T.
Protein change: p.Asp3867=; no amino-acid change (aspartic acid 3867 retained).
Molecular consequence: synonymous variant.
Genome position (GRCh38, 1-based): chr8:143,918,220, G>A on the plus strand (C>T on the coding strand, the complement: PLEC is on the minus strand). VCF-style: chr8-143918220-G-A. GRCh37 (hg19) VCF-style: chr8-144992388-G-A.
Other names: p.Asp3853=; c.11682C>T, p.Asp3894= (NM_000445.5); c.11559C>T, p.Asp3853= (NM_201378.4); c.11535C>T, p.Asp3845= (NM_201379.3); c.12012C>T, p.Asp4004= (NM_201380.4); c.11505C>T, p.Asp3835= (NM_201381.3); c.11601C>T, p.Asp3867= (NM_201382.4); c.11613C>T, p.Asp3871= (NM_201383.3).
Identifiers: ClinVar variation 129927 (VCV000129927.25), dbSNP rs75833626, ClinGen allele CA154380.
Genomic context (GRCh38, chr8:143,918,220, plus strand): 5'-GCCACGGAAGGTCAGCTTGCGGGCGTCCGACAGTGGCAGGAGCAGCTGGCCGGTGCCGTC[G>A]TCACGACGGCACCGCCTGAGCAGCTGCGTGTAGCTGAGGCGCTCGTCGGTGGACGGGTCC-3'
Protein context (NP_958786.1, residues 3857-3877): YTQLLRRCRR[Asp3867=]DGTGQLLLPL

ClinVar aggregate classification (germline): Benign. Review status: criteria provided, multiple submitters, no conflicts (2 of 4 stars). 7 submissions from 7 submitters: Benign (6). 1 of the submissions does not count toward it. Last evaluated 2026-02-01.

Conditions:
Epidermolysis bullosa simplex 5C, with pyloric atresia (EBS5C). Also called: PLEC-Related Epidermolysis Bullosa with Pyloric Atresia; Epidermolysis bullosa simplex with pyloric atresia; PLEC1-Related Epidermolysis Bullosa with Pyloric Atresia. Identifiers: Orphanet 158684, MedGen C2677349, MONDO:0012807, OMIM 612138.
Autosomal recessive limb-girdle muscular dystrophy type 2Q (LGMDR17). Also called: MUSCULAR DYSTROPHY, LIMB-GIRDLE, AUTOSOMAL RECESSIVE 17. Identifiers: Orphanet 254361, MedGen C3150989, MONDO:0013390, OMIM 613723.
Epidermolysis bullosa simplex with nail dystrophy (EBS5D). Identifiers: MedGen C4225309, MONDO:0014661, OMIM 616487.
Epidermolysis bullosa simplex 5B, with muscular dystrophy (EBS5B). Also called: Epidermolysis bullosa simplex with muscular dystrophy; EPIDERMOLYSIS BULLOSA SIMPLEX AND LIMB-GIRDLE MUSCULAR DYSTROPHY. Identifiers: Orphanet 257, MedGen C2931072, MONDO:0009181, OMIM 226670.
Epidermolysis bullosa simplex, Ogna type (EBS5A). Also called: Pidermolysis bullosa simplex 5A, Ogna type; EPIDERMOLYSIS BULLOSA SIMPLEX 5A, OGNA TYPE. Identifiers: Orphanet 79401, MedGen C0432317, MONDO:0007555, OMIM 131950.

Allele frequency attached by ClinVar (database versions not stated): gnomAD exomes 0.01108; ExAC 0.01366; ESP Exome Variant Server 0.04194; gnomAD 0.04229 and 0.04561; 1000 Genomes Project 0.04233; TOPMed 0.04813.
gnomAD v4.1: 13,090 of 1,577,984 alleles (0.83%); highest among the groups gnomAD compares: African/African-American, 15%; 920 homozygotes.

Submissions (7):

Labcorp Genetics (formerly Invitae), Labcorp
Classification: Benign for Autosomal recessive limb-girdle muscular dystrophy type 2Q; Epidermolysis bullosa simplex, Ogna type; Epidermolysis bullosa simplex with nail dystrophy; Epidermolysis bullosa simplex 5C, with pyloric atresia; Epidermolysis bullosa simplex 5B, with muscular dystrophy. Last evaluated: 2026-02-01. Review status: criteria provided, single submitter. Criteria: Invitae Variant Classification Sherloc (09022015). Collection method: clinical testing. Allele origin: germline.

Mayo Clinic Laboratories, Mayo Clinic
Classification: Benign. Last evaluated: 2018-07-12. Review status: criteria provided, single submitter. Criteria: ACMG Guidelines, 2015. Collection method: clinical testing. Allele origin: germline. Observed: 46 variant alleles.

GeneDx
Classification: Benign. Last evaluated: 2016-03-25. Review status: criteria provided, single submitter. Criteria: GeneDx Variant Classification (06012015). Collection method: clinical testing. Allele origin: germline. Affected: yes.
Comment: This variant is considered likely benign or benign based on one or more of the following criteria: it is a conservative change, it occurs at a poorly conserved position in the protein, it is predicted to be benign by multiple in silico algorithms, and/or has population frequency not consistent with disease.

Laboratory for Molecular Medicine, Mass General Brigham Personalized Medicine
Classification: Benign. Last evaluated: 2015-01-13. Review status: criteria provided, single submitter. Criteria: LMM Criteria. Collection method: clinical testing. Allele origin: germline. Observed: 1 variant allele.
Comment: p.Asp4004Asp in exon 32 of PLEC: This variant is not expected to have clinical s ignificance because it does not alter an amino acid residue and is not located w ithin the splice consensus sequence. It has been identified in 12.9% (484/3748) of African American chromosomes from a broad population by the NHLBI Exome Seque ncing Project (dbSNP rs75833626).

Eurofins Ntd Llc (ga)
Classification: Benign. Last evaluated: 2014-09-11. Review status: criteria provided, single submitter. Criteria: EGL Classification Definitions 2015. Collection method: clinical testing. Allele origin: germline. Observed: 2 variant alleles, 2 heterozygotes.

Breakthrough Genomics
Classification: Benign. Review status: criteria provided, single submitter. Criteria: ACMG Guidelines, 2015. Collection method: not provided. Allele origin: germline. Inheritance: Autosomal recessive inheritance. Affected: yes.

Genetic Services Laboratory, University of Chicago
Classification: Likely benign for AllHighlyPenetrant. Review status: no assertion criteria provided. Collection method: clinical testing. Allele origin: germline. Inheritance: Autosomal recessive inheritance. Not counted in ClinVar's aggregate classification.
Comment: Likely benign based on allele frequency in 1000 Genomes Project or ESP global frequency and its presence in a patient with a rare or unrelated disease phenotype. NOT Sanger confirmed.